The following is an entry in ClinVar:

ClinVar aggregate classification (germline): Pathogenic/Likely pathogenic. Review status: criteria provided, multiple submitters, no conflicts (2 of 4 stars). 5 submissions from 5 submitters: Pathogenic (2); Likely pathogenic (1). 2 of the submissions do not count toward it. Last evaluated 2025-04-23.

Conditions:
Zellweger spectrum disorders (ZS). Also called: Zellweger syndrome; Zellweger Spectrum Disorder; Zellweger Spectrum; Zellweger Spectrum Disorder (ZSD). Identifiers: Orphanet 912, MedGen C0043459, MONDO:0019609.
Peroxisome biogenesis disorder 4A (Zellweger) (PBD4A). Also called: Zellweger syndrome spectrum (PEX6-related). Identifiers: Orphanet 912, MedGen C3553936, MONDO:0013930, OMIM 614862. Disease mechanism: loss of function.
Peroxisome biogenesis disorder 4B (PBD4B). Also called: SPINOCEREBELLAR ATAXIA WITH BLINDNESS AND DEAFNESS 1. Identifiers: Orphanet 44, Orphanet 95433, MedGen C3553937, MONDO:0013931, OMIM 614863.
Peroxisome biogenesis disorder. Identifiers: Orphanet 79189, MedGen C1832200, MONDO:0019234. Disease mechanism: loss of function.

Allele frequency attached by ClinVar (database versions not stated): TOPMed below 0.00001; gnomAD exomes 0.00002.

Submissions (5):

Labcorp Genetics (formerly Invitae), Labcorp
Classification: Pathogenic for Peroxisome biogenesis disorder. Last evaluated: 2025-04-23. Review status: criteria provided, single submitter. Criteria: Invitae Variant Classification Sherloc (09022015). Collection method: clinical testing. Allele origin: germline.
Comment: This sequence change creates a premature translational stop signal (p.Gly171Trpfs*71) in the PEX6 gene. It is expected to result in an absent or disrupted protein product. Loss-of-function variants in PEX6 are known to be pathogenic (PMID: 10408779, 21031596, 31831025). This variant is not present in population databases (gnomAD no frequency). This premature translational stop signal has been observed in individual(s) with Zellweger syndrome (PMID: 8940266). This variant is also known as 511insT. ClinVar contains an entry for this variant (Variation ID: 551023). For these reasons, this variant has been classified as Pathogenic.

Natera, Inc.
Classification: Pathogenic for Zellweger syndrome. Last evaluated: 2025-03-14. Review status: criteria provided, single submitter. Criteria: Natera Variant Classification Schema (03/2026). Collection method: clinical testing. Allele origin: germline.
Comment: The c.510dupT variant in PEX6 is a frameshift variant predicted to shift the reading frame beginning at codon 171 and leads to a stop codon 71 codons downstream. This variant is expected to result in nonsense mediated decay, truncation, or a dysfunctional protein product. This variant is rare in the general population with a frequency below the threshold expected for the associated phenotype(s). This variant has been observed in one or more individuals affected with the associated recessive disease, as either homozygous or compound heterozygous with a second variant (PMID: 8940266). Given the available evidence, this variant is classified as Pathogenic.

Women's Health and Genetics/Laboratory Corporation of America, LabCorp
Classification: Likely pathogenic for Peroxisome biogenesis disorders, Zellweger syndrome spectrum. Last evaluated: 2018-11-30. Review status: criteria provided, single submitter. Criteria: LabCorp Variant Classification Summary - May 2015. Collection method: clinical testing. Allele origin: germline.
Comment: Variant summary: PEX6 c.510dupT (p.Gly171TrpfsX71) results in a premature termination codon, predicted to cause a truncation of the encoded protein or absence of the protein due to nonsense mediated decay, which are commonly known mechanisms for disease. Truncations downstream of this position have been classified as pathogenic by our laboratory (eg. c.1947delG/p.Ile650fsX10). The variant was absent in 187046 control chromosomes. c.510dupT has been reported in the literature in one individual affected with Zellweger Syndrome (Fukuda_1996). These data indicate that the variant may be associated with disease. To our knowledge, no experimental evidence demonstrating an impact on protein function has been reported. No clinical diagnostic laboratories have submitted clinical-significance assessments for this variant to ClinVar after 2014. Based on the evidence outlined above, the variant was classified as likely pathogenic.

Counsyl
Classification: Likely pathogenic for Peroxisome biogenesis disorder 4A (Zellweger); Peroxisome biogenesis disorder 4B. Last evaluated: 2017-03-08. Review status: no assertion criteria provided. Collection method: clinical testing. Allele origin: unknown. Not counted in ClinVar's aggregate classification.

OMIM
Classification: Pathogenic for PEROXISOME BIOGENESIS DISORDER 4A (ZELLWEGER). Last evaluated: 1996-12-01. Review status: no assertion criteria provided. Collection method: literature only. Allele origin: germline. Not counted in ClinVar's aggregate classification.

Literature cited by the submitters: PubMed 10408779 (cited by Labcorp Genetics (formerly Invitae), Labcorp); PubMed 21031596 (cited by Labcorp Genetics (formerly Invitae), Labcorp); PubMed 31831025 (cited by Labcorp Genetics (formerly Invitae), Labcorp); PubMed 8940266 (cited by 5 submitters).

NM_000287.4(PEX6):c.510dup (p.Gly171fs)

Gene: PEX6 (peroxisomal biogenesis factor 6; minus strand). Cytogenetic location: 6p21.1.
Variant type: Duplication.
Coding change: c.510dup on transcript NM_000287.4 (MANE Select); coding-DNA position 510, one base duplicated (T; older notation c.510dupT).
Protein change: p.Gly171fs; shifts the reading frame from glycine 171.
Molecular consequence: frameshift variant. On other transcripts: non-coding transcript variant (1).
Genome position (GRCh38, 1-based): chr6:42,978,641, A duplicated on the plus strand (T on the coding strand, the reverse complement: PEX6 is on the minus strand). VCF-style (leftmost placement, unchanged base first): chr6-42978640-C-CA. GRCh37 (hg19) VCF-style: chr6-42946378-C-CA.
Other names: c.510dup, p.Gly171fs (NM_001316313.2); c.510dupT (NM_000287.3); short protein forms G171fs.
Identifiers: ClinVar variation 551023 (VCV000551023.8), dbSNP rs1491384052, ClinGen allele CA138238157.
Genomic context (GRCh38, chr6:42,978,640, plus strand): 5'-CTGTGCCAGAAACCGCAAAGGAGGACACCACGGGCGGGGGTGGGGGCCGACTGCTGTCCC[C>CA]AGACTCTGGACACAGTCTGGCCCGCCCGCGGAGCTCAGTCACAGCCAGCCGAGTCCCTGG-3'